The following is an entry in ClinVar:

ClinVar aggregate classification (germline): Uncertain significance (1 of 4 stars; one submission).

Conditions:
Cardiac arrhythmia. Also called: Arrhythmia; Cardiac rhythm disease. Identifiers: MedGen C0003811, MONDO:0007263, HP:0011675.

Submission:

Labcorp Genetics (formerly Invitae), Labcorp
Classification: Uncertain significance for Cardiac arrhythmia. Last evaluated: 2022-04-11. Review status: criteria provided, single submitter. Criteria: Invitae Variant Classification Sherloc (09022015). Collection method: clinical testing. Allele origin: germline.
Comment: This sequence change falls in intron 2 of the RANGRF gene. It does not directly change the encoded amino acid sequence of the RANGRF protein. It affects a nucleotide within the consensus splice site. This variant is not present in population databases (gnomAD no frequency). This variant has not been reported in the literature in individuals affected with RANGRF-related conditions. Variants that disrupt the consensus splice site are a relatively common cause of aberrant splicing (PMID: 17576681, 9536098). Algorithms developed to predict the effect of sequence changes on RNA splicing suggest that this variant may disrupt the consensus splice site. In summary, the available evidence is currently insufficient to determine the role of this variant in disease. Therefore, it has been classified as a Variant of Uncertain Significance.

Literature cited by the submitters: PubMed 17576681; PubMed 9536098.

NM_016492.5(RANGRF):c.194+6G>T

Genes: RANGRF (RAN guanine nucleotide release factor; plus strand), SLC25A35 (solute carrier family 25 member 35; minus strand). Cytogenetic location: 17p13.1.
Variant type: single nucleotide variant.
Coding change: c.194+6G>T on transcript NM_016492.5 (MANE Select); 6 bases into the intron after coding-DNA position 194, G replaced by T.
Molecular consequence: intron variant. On other transcripts: non-coding transcript variant (2), 3 prime UTR variant (2).
Genome position (GRCh38, 1-based): chr17:8,289,078, G>T. VCF-style: chr17-8289078-G-T. GRCh37 (hg19) VCF-style: chr17-8192396-G-T.
Other names: c.*42+496C>A (NM_001320871.2); c.194+6G>T (NM_001177802.2, NM_001177801.2, NM_001330127.2); c.*405C>A (NM_001320872.2); c.*538C>A (NM_201520.3).
Identifiers: ClinVar variation 1975565 (VCV001975565.5), dbSNP rs762656956, ClinGen allele CA2580094929.